The following is an entry in ClinVar:

ClinVar aggregate classification (germline): Uncertain significance. Review status: criteria provided, multiple submitters, no conflicts (2 of 4 stars). 2 submissions from 2 submitters: Uncertain significance (2). Last evaluated 2026-01-26.

gnomAD v4.1: 1 of 1,614,028 alleles (0.000062%); highest among the groups gnomAD compares: African/African-American, 0.0013%; no homozygotes.

Submissions (2):

Labcorp Genetics (formerly Invitae), Labcorp
Classification: Uncertain significance. Last evaluated: 2026-01-26. Review status: criteria provided, single submitter. Criteria: Invitae Variant Classification Sherloc (09022015). Collection method: clinical testing. Allele origin: germline.
Comment: This sequence change replaces proline, which is neutral and non-polar, with leucine, which is neutral and non-polar, at codon 471 of the KCNH1 protein (p.Pro471Leu). The frequency data for this variant in the population databases is considered unreliable, as metrics indicate poor data quality at this position in the gnomAD database. This variant has not been reported in the literature in individuals affected with KCNH1-related conditions. ClinVar contains an entry for this variant (Variation ID: 4076905). Invitae Evidence Modeling of protein sequence and biophysical properties (such as structural, functional, and spatial information, amino acid conservation, physicochemical variation, residue mobility, and thermodynamic stability) has been performed for this missense variant. However, the output from this modeling did not meet the statistical confidence thresholds required to predict the impact of this variant on KCNH1 protein function. In summary, the available evidence is currently insufficient to determine the role of this variant in disease. Therefore, it has been classified as a Variant of Uncertain Significance.

GeneDx
Classification: Uncertain significance. Last evaluated: 2025-02-21. Review status: criteria provided, single submitter. Criteria: GeneDx Variant Classification Process June 2021. Collection method: clinical testing. Allele origin: germline. Affected: yes.
Comment: In silico analysis supports that this missense variant has a deleterious effect on protein structure/function; Has not been previously published as pathogenic or benign to our knowledge

NM_172362.3(KCNH1):c.1412C>T (p.Pro471Leu)

Gene: KCNH1 (potassium voltage-gated channel subfamily H member 1; minus strand). Cytogenetic location: 1q32.2.
Variant type: single nucleotide variant.
Coding change: c.1412C>T on transcript NM_172362.3 (MANE Select); coding-DNA position 1412, C replaced by T.
Protein change: p.Pro471Leu; replaces proline 471 with leucine.
Molecular consequence: missense variant.
Genome position (GRCh38, 1-based): chr1:210,919,690, G>A on the plus strand (C>T on the coding strand, the complement: KCNH1 is on the minus strand). VCF-style: chr1-210919690-G-A. GRCh37 (hg19) VCF-style: chr1-211093032-G-A.
Other names: c.1331C>T, p.Pro444Leu (NM_002238.4); short protein forms P444L, P471L.
Identifiers: ClinVar variation 4076905 (VCV004076905.2).